The following is an entry in ClinVar:

ClinVar aggregate classification (germline): Uncertain significance (1 of 4 stars; one submission).

Submission:

Labcorp Genetics (formerly Invitae), Labcorp
Classification: Uncertain significance. Last evaluated: 2023-07-17. Review status: criteria provided, single submitter. Criteria: Invitae Variant Classification Sherloc (09022015). Collection method: clinical testing. Allele origin: germline.
Comment: In summary, the available evidence is currently insufficient to determine the role of this variant in disease. Therefore, it has been classified as a Variant of Uncertain Significance. Algorithms developed to predict the effect of sequence changes on RNA splicing suggest that this variant may disrupt the consensus splice site. ClinVar contains an entry for this variant (Variation ID: 1487759). This variant has not been reported in the literature in individuals affected with EFTUD2-related conditions. This variant is not present in population databases (gnomAD no frequency). This sequence change falls in intron 16 of the EFTUD2 gene. It does not directly change the encoded amino acid sequence of the EFTUD2 protein.

NM_004247.4(EFTUD2):c.1608-16T>G

Gene: EFTUD2 (elongation factor Tu GTP binding domain containing 2; minus strand). Cytogenetic location: 17q21.31.
Variant type: single nucleotide variant.
Coding change: c.1608-16T>G on transcript NM_004247.4 (MANE Select); 16 bases into the intron before coding-DNA position 1608, T replaced by G.
Molecular consequence: intron variant.
Genome position (GRCh38, 1-based): chr17:44,860,559, A>C on the plus strand (T>G on the coding strand, the complement: EFTUD2 is on the minus strand). VCF-style: chr17-44860559-A-C. GRCh37 (hg19) VCF-style: chr17-42937927-A-C.
Other names: c.1503-16T>G (NM_001142605.2); c.1578-16T>G (NM_001258354.2); c.1608-16T>G (NM_001258353.2).
Identifiers: ClinVar variation 1487759 (VCV001487759.8), dbSNP rs2145461377, ClinGen allele CA2573153950.
Genomic context (GRCh38, chr17:44,860,559, plus strand): 5'-AGAACCCAGTTGCCAGCAGGAACACGGTTCACCTCGATGTGGTACCTGAAGCAATGTCCA[A>C]TAAGCAGCAGTGAAACTTAGGCAGAGCATTCCCTAATTTTTTTTTTTTTTTTTTTTTTGA-3'